The following is an entry in ClinVar:

ClinVar aggregate classification (germline): Uncertain significance (1 of 4 stars; one submission).

Submission:

Labcorp Genetics (formerly Invitae), Labcorp
Classification: Uncertain significance. Last evaluated: 2022-12-06. Review status: criteria provided, single submitter. Criteria: Invitae Variant Classification Sherloc (09022015). Collection method: clinical testing. Allele origin: germline.
Comment: This sequence change falls in intron 29 of the C5 gene. It does not directly change the encoded amino acid sequence of the C5 protein. This variant is not present in population databases (gnomAD no frequency). This variant has not been reported in the literature in individuals affected with C5-related conditions. Algorithms developed to predict the effect of sequence changes on RNA splicing suggest that this variant may disrupt the consensus splice site. In summary, the available evidence is currently insufficient to determine the role of this variant in disease. Therefore, it has been classified as a Variant of Uncertain Significance.

NM_001735.3(C5):c.3865-9T>G

Gene: C5 (complement C5; minus strand). Cytogenetic location: 9q33.2.
Variant type: single nucleotide variant.
Coding change: c.3865-9T>G on transcript NM_001735.3 (MANE Select); 9 bases into the intron before coding-DNA position 3865, T replaced by G.
Molecular consequence: intron variant.
Genome position (GRCh38, 1-based): chr9:120,974,940, A>C on the plus strand (T>G on the coding strand, the complement: C5 is on the minus strand). VCF-style: chr9-120974940-A-C. GRCh37 (hg19) VCF-style: chr9-123737218-A-C.
Other names: c.3883-9T>G (NM_001317163.2).
Identifiers: ClinVar variation 1465612 (VCV001465612.8), dbSNP rs2131688074, ClinGen allele CA2573143857.